The following is an entry in ClinVar:

ClinVar aggregate classification (germline): Uncertain significance. Review status: criteria provided, multiple submitters, no conflicts (2 of 4 stars). 3 submissions from 3 submitters: Uncertain significance (3). Last evaluated 2025-05-05.

Conditions:
Charcot-Marie-Tooth disease type 2. Also called: Charcot-Marie-Tooth type 2. Identifiers: Orphanet 64746, MedGen C0270914, MONDO:0018993.

Allele frequency attached by ClinVar (database versions not stated): gnomAD exomes below 0.00001; ExAC 0.00001.
gnomAD v4.1: 4 of 1,614,052 alleles (0.00025%); highest among the groups gnomAD compares: South Asian, 0.0011%; no homozygotes.

Submissions (3):

Labcorp Genetics (formerly Invitae), Labcorp
Classification: Uncertain significance for Charcot-Marie-Tooth disease type 2. Last evaluated: 2025-05-05. Review status: criteria provided, single submitter. Criteria: Invitae Variant Classification Sherloc (09022015). Collection method: clinical testing. Allele origin: germline.
Comment: This sequence change replaces arginine, which is basic and polar, with histidine, which is basic and polar, at codon 364 of the KIF1B protein (p.Arg364His). This variant is not present in population databases (gnomAD no frequency). This variant has not been reported in the literature in individuals affected with KIF1B-related conditions. ClinVar contains an entry for this variant (Variation ID: 1013227). Invitae Evidence Modeling of protein sequence and biophysical properties (such as structural, functional, and spatial information, amino acid conservation, physicochemical variation, residue mobility, and thermodynamic stability) indicates that this missense variant is expected to disrupt KIF1B protein function with a positive predictive value of 80%. In summary, the available evidence is currently insufficient to determine the role of this variant in disease. Therefore, it has been classified as a Variant of Uncertain Significance.

Ambry Genetics
Classification: Uncertain significance. Last evaluated: 2024-02-16. Review status: criteria provided, single submitter. Criteria: Ambry Variant Classification Scheme 2023. Collection method: clinical testing. Allele origin: germline.
Comment: The p.R364H variant (also known as c.1091G>A), located in coding exon 11 of the KIF1B gene, results from a G to A substitution at nucleotide position 1091. The arginine at codon 364 is replaced by histidine, an amino acid with highly similar properties. This amino acid position is highly conserved in available vertebrate species. In addition, this alteration is predicted to be deleterious by in silico analysis. Since supporting evidence is limited at this time, the clinical significance of this alteration remains unclear.

CeGaT Center for Human Genetics Tuebingen
Classification: Uncertain significance. Last evaluated: 2020-07-01. Review status: criteria provided, single submitter. Criteria: CeGaT Center For Human Genetics Tuebingen Variant Classification Criteria Version 2. Collection method: clinical testing. Allele origin: germline. Affected: yes. Observed: 1 variant allele.

NM_001365951.3(KIF1B):c.1109G>A (p.Arg370His)

Gene: KIF1B (kinesin family member 1B; plus strand). Cytogenetic location: 1p36.22.
Variant type: single nucleotide variant.
Coding change: c.1109G>A on transcript NM_001365951.3 (MANE Select); coding-DNA position 1109, G replaced by A.
Protein change: p.Arg370His; replaces arginine 370 with histidine.
Molecular consequence: missense variant.
Genome position (GRCh38, 1-based): chr1:10,278,057, G>A. VCF-style: chr1-10278057-G-A. GRCh37 (hg19) VCF-style: chr1-10338115-G-A.
Other names: c.1109G>A, p.Arg370His (NM_001365952.1); c.1091G>A, p.Arg364His (NM_001365953.1, NM_015074.3, NM_183416.4); short protein forms R364H, R370H.
Identifiers: ClinVar variation 1013227 (VCV001013227.47), dbSNP rs764203468, ClinGen allele CA580889.